The following is an entry in ClinVar:

ClinVar aggregate classification (germline): Uncertain significance (1 of 4 stars; one submission).

gnomAD v4.1: 1 of 1,612,790 alleles (0.000062%); highest among the groups gnomAD compares: African/African-American, 0.0013%; no homozygotes.

Submission:

Labcorp Genetics (formerly Invitae), Labcorp
Classification: Uncertain significance. Last evaluated: 2024-10-28. Review status: criteria provided, single submitter. Criteria: Invitae Variant Classification Sherloc (09022015). Collection method: clinical testing. Allele origin: germline.
Comment: This sequence change replaces glycine, which is neutral and non-polar, with aspartic acid, which is acidic and polar, at codon 762 of the CFB protein (p.Gly762Asp). This variant is present in population databases (no rsID available, gnomAD 0.007%). This variant has not been reported in the literature in individuals affected with CFB-related conditions. An algorithm developed to predict the effect of missense changes on protein structure and function outputs the following: PolyPhen-2: "Benign". The aspartic acid amino acid residue is found in multiple mammalian species, which suggests that this missense change does not adversely affect protein function. In summary, the available evidence is currently insufficient to determine the role of this variant in disease. Therefore, it has been classified as a Variant of Uncertain Significance.

NM_001710.6(CFB):c.2285G>A (p.Gly762Asp)

Gene: CFB (complement factor B; plus strand). Cytogenetic location: 6p21.33.
Variant type: single nucleotide variant.
Coding change: c.2285G>A on transcript NM_001710.6 (MANE Select); coding-DNA position 2285, G replaced by A.
Protein change: p.Gly762Asp; replaces glycine 762 with aspartic acid.
Molecular consequence: missense variant.
Genome position (GRCh38, 1-based): chr6:31,952,020, G>A. VCF-style: chr6-31952020-G-A. GRCh37 (hg19) VCF-style: chr6-31919797-G-A.
Other names: short protein forms G762D.
Identifiers: ClinVar variation 3723987 (VCV003723987.2).